The following is an entry in ClinVar:

NM_001148.6(ANK2):c.10175C>A (p.Ser3392Tyr)

Gene: ANK2 (ankyrin 2; plus strand). Cytogenetic location: 4q26.
Variant type: single nucleotide variant.
Coding change: c.10175C>A on transcript NM_001148.6 (MANE Select); coding-DNA position 10175, C replaced by A.
Protein change: p.Ser3392Tyr; replaces serine 3392 with tyrosine.
Molecular consequence: missense variant. On other transcripts: intron variant (68).
Genome position (GRCh38, 1-based): chr4:113,358,793, C>A. VCF-style: chr4-113358793-C-A. GRCh37 (hg19) VCF-style: chr4-114279949-C-A.
Other names: c.9941C>A, p.Ser3314Tyr (NM_001386142.1); c.6575C>A, p.Ser2192Tyr (NM_001386166.1); c.10316C>A, p.Ser3439Tyr (NM_001386174.1); c.10292C>A, p.Ser3431Tyr (NM_001386175.1); c.4412-2030C>A (NM_001386186.2, NM_001386148.2); c.4214-2030C>A (NM_001354269.3); c.4292-2030C>A (NM_001386187.2); c.4253-2030C>A (NM_001386147.1); and 35 more; short protein forms S2192Y, S3314Y, S3439Y, S3431Y, S3392Y.
Identifiers: ClinVar variation 4613543 (VCV004613543.1).

ClinVar aggregate classification (germline): Uncertain significance (1 of 4 stars; one submission).

Conditions:
Cardiovascular phenotype. Identifiers: MedGen CN230736.

gnomAD v4.1: 1 of 1,614,098 alleles (0.000062%); highest among the groups gnomAD compares: Non-Finnish European, 0.000085%; no homozygotes.

Submission:

Ambry Genetics
Classification: Uncertain significance for Cardiovascular phenotype. Last evaluated: 2025-09-17. Review status: criteria provided, single submitter. Criteria: Ambry Variant Classification Scheme 2023. Collection method: clinical testing. Allele origin: germline.
Comment: The p.S3392Y variant (also known as c.10175C>A), located in coding exon 38 of the ANK2 gene, results from a C to A substitution at nucleotide position 10175. The serine at codon 3392 is replaced by tyrosine, an amino acid with dissimilar properties. This amino acid position is conserved. In addition, the in silico prediction for this alteration is inconclusive. Based on the available evidence, the clinical significance of this variant remains unclear.